The following is an entry in ClinVar:

ClinVar aggregate classification (germline): Uncertain significance (1 of 4 stars; one submission).

Conditions:
CHARGE syndrome (CHARGE). Also called: Coloboma, heart anomaly, choanal atresia, retardation, genital and ear anomalies; CHARGE association; Hall-Hittner syndrome; Hittner Hirsch Kreh syndrome; CHARGE ASSOCIATION--COLOBOMA, HEART ANOMALY, CHOANAL ATRESIA, RETARDATION, GENITAL AND EAR ANOMALIES. Identifiers: Orphanet 138, MedGen C0265354, MONDO:0008965.

gnomAD v4.1: 4 of 1,613,772 alleles (0.00025%); highest among the groups gnomAD compares: Non-Finnish European, 0.00034%; no homozygotes.

Submission:

Labcorp Genetics (formerly Invitae), Labcorp
Classification: Uncertain significance for CHARGE syndrome. Last evaluated: 2021-04-16. Review status: criteria provided, single submitter. Criteria: Invitae Variant Classification Sherloc (09022015). Collection method: clinical testing. Allele origin: germline.
Comment: In summary, the available evidence is currently insufficient to determine the role of this variant in disease. Therefore, it has been classified as a Variant of Uncertain Significance. Advanced modeling of protein sequence and biophysical properties (such as structural, functional, and spatial information, amino acid conservation, physicochemical variation, residue mobility, and thermodynamic stability) performed at Invitae indicates that this missense variant is not expected to disrupt CHD7 protein function. This variant has not been reported in the literature in individuals with CHD7-related conditions. This variant is not present in population databases (ExAC no frequency). This sequence change replaces glutamic acid with aspartic acid at codon 1952 of the CHD7 protein (p.Glu1952Asp). The glutamic acid residue is highly conserved and there is a small physicochemical difference between glutamic acid and aspartic acid.

NM_017780.4(CHD7):c.5856A>C (p.Glu1952Asp)

Gene: CHD7 (chromodomain helicase DNA binding protein 7; plus strand). Cytogenetic location: 8q12.2.
Variant type: single nucleotide variant.
Coding change: c.5856A>C on transcript NM_017780.4 (MANE Select); coding-DNA position 5856, A replaced by C.
Protein change: p.Glu1952Asp; replaces glutamic acid 1952 with aspartic acid.
Molecular consequence: missense variant. On other transcripts: intron variant (1).
Genome position (GRCh38, 1-based): chr8:60,852,209, A>C. VCF-style: chr8-60852209-A-C. GRCh37 (hg19) VCF-style: chr8-61764768-A-C.
Other names: c.1717-10020A>C (NM_001316690.1); short protein forms E1952D.
Identifiers: ClinVar variation 1436515 (VCV001436515.8), dbSNP rs755290171, ClinGen allele CA371323263.
Genomic context (GRCh38, chr8:60,852,209, plus strand): 5'-GGCCCTAATGAAGACTGACCGGCGCAGACGGCGGCCTCGAGAGGAAGTGAGAGCTCTGGA[A>C]GCGGAAAGGGAAGCTATTATATCTGAGAAGCGGCAAAAGTGAGTTTCTTCAAGGTTTCCA-3'
Protein context (NP_060250.2, residues 1942-1962): RRPREEVRAL[Glu1952Asp]AEREAIISEK